The following is an entry in ClinVar:

NM_001048174.2(MUTYH):c.187G>C (p.Ala63Pro)

Gene: MUTYH (mutY DNA glycosylase; minus strand). Cytogenetic location: 1p34.1.
Variant type: single nucleotide variant.
Coding change: c.187G>C on transcript NM_001048174.2 (MANE Select); coding-DNA position 187, G replaced by C.
Protein change: p.Ala63Pro; replaces alanine 63 with proline.
Molecular consequence: missense variant. On other transcripts: 5 prime UTR variant (6), non-coding transcript variant (7).
Genome position (GRCh38, 1-based): chr1:45,333,490, C>G on the plus strand (G>C on the coding strand, the complement: MUTYH is on the minus strand). VCF-style: chr1-45333490-C-G. GRCh37 (hg19) VCF-style: chr1-45799162-C-G.
Other names: c.187G>C, p.Ala63Pro (NM_001407081.1, NM_001407088.1, NM_001407089.1 and 6 more transcripts); c.-85G>C (NM_001407082.1, NM_001350650.2, NM_001350651.2); c.229G>C, p.Ala77Pro (NM_001407083.1, NM_001407085.1, NM_001407073.1); c.190G>C, p.Ala64Pro (NM_001407086.1, NM_001407079.1, NM_001048172.2 and 2 more transcripts); c.208G>C, p.Ala70Pro (NM_001407087.1); c.-90G>C (NM_001407091.1, NM_001293192.2, NM_001293196.2); c.262G>C, p.Ala88Pro (NM_012222.3, NM_001407069.1); c.271G>C, p.Ala91Pro (NM_001128425.2); and 3 more; short protein forms A74P, A70P, A78P, A77P, A88P, A35P, A63P, A64P.
Identifiers: ClinVar variation 4113563 (VCV004113563.1).

ClinVar aggregate classification (germline): Uncertain significance (1 of 4 stars; one submission).

Conditions:
Hereditary cancer-predisposing syndrome. Also called: Hereditary neoplastic syndrome; Neoplastic Syndromes, Hereditary; Tumor predisposition; Hereditary Cancer Syndrome. Identifiers: Orphanet 140162, MedGen C0027672, MeSH D009386, MONDO:0015356.

Submission:

Ambry Genetics
Classification: Uncertain significance for Hereditary cancer-predisposing syndrome. Last evaluated: 2025-08-27. Review status: criteria provided, single submitter. Criteria: Ambry Variant Classification Scheme 2023. Collection method: clinical testing. Allele origin: germline.
Comment: The p.A91P variant (also known as c.271G>C), located in coding exon 3 of the MUTYH gene, results from a G to C substitution at nucleotide position 271. The alanine at codon 91 is replaced by proline, an amino acid with highly similar properties. This amino acid position is conserved. In addition, the in silico prediction for this alteration is inconclusive. Based on the available evidence, the clinical significance of this variant remains unclear.